The following is an entry in ClinVar:

ClinVar aggregate classification (germline): Conflicting classifications of pathogenicity. Review status: criteria provided, conflicting classifications (1 of 4 stars). 10 submissions from 10 submitters: Uncertain significance (7); Likely benign (1). 2 of the submissions do not count toward it. Last evaluated 2026-01-28.

Conditions:
Niemann-Pick disease, type C1. Also called: NIEMANN-PICK DISEASE WITHOUT SPHINGOMYELINASE DEFICIENCY; NIEMANN-PICK DISEASE, CHRONIC NEURONOPATHIC FORM; NEUROVISCERAL STORAGE DISEASE WITH VERTICAL SUPRANUCLEAR OPHTHALMOPLEGIA; NIEMANN-PICK DISEASE WITH CHOLESTEROL ESTERIFICATION BLOCK; NIEMANN-PICK DISEASE, VARIANT TYPE C1. Identifiers: Orphanet 646, MedGen C3179455, MONDO:0009757, OMIM 257220.
NPC1-related disorder. Also called: NPC1-related condition.

Allele frequency attached by ClinVar (database versions not stated): ESP Exome Variant Server 0.00038; TOPMed 0.00041; 1000 Genomes Project 0.00060; 1000 Genomes Project 30x 0.00062.
gnomAD v4.1: 705 of 1,614,192 alleles (0.044%); highest among the groups gnomAD compares: Admixed American, 0.22%; 2 homozygotes.

Submissions (10):

Labcorp Genetics (formerly Invitae), Labcorp
Classification: Likely benign for Niemann-Pick disease, type C1. Last evaluated: 2026-01-28. Review status: criteria provided, single submitter. Criteria: Invitae Variant Classification Sherloc (09022015). Collection method: clinical testing. Allele origin: germline.

GeneDx
Classification: Uncertain significance. Last evaluated: 2025-03-19. Review status: criteria provided, single submitter. Criteria: GeneDx Variant Classification Process June 2021. Collection method: clinical testing. Allele origin: germline. Affected: yes.
Comment: Identified in an individual with Parkinson disease and an individual with FTLD in published literature; however, it was also identified in a healthy control individual (PMID: 24386122); In silico analysis indicates that this missense variant does not alter protein structure/function; This variant is associated with the following publications: (PMID: 24386122)

Department of Pathology and Laboratory Medicine, Sinai Health System
Classification: Uncertain significance for Niemann-Pick disease, type C1. Last evaluated: 2022-02-17. Review status: criteria provided, single submitter. Criteria: ACMG Guidelines, 2015. Collection method: research. Allele origin: germline.

CeGaT Center for Human Genetics Tuebingen
Classification: Uncertain significance. Last evaluated: 2020-06-01. Review status: criteria provided, single submitter. Criteria: CeGaT Center For Human Genetics Tuebingen Variant Classification Criteria Version 2. Collection method: clinical testing. Allele origin: germline. Affected: yes. Observed: 1 variant allele.

Fulgent Genetics
Classification: Uncertain significance for Niemann-Pick disease, type C1. Last evaluated: 2018-10-31. Review status: criteria provided, single submitter. Criteria: ACMG Guidelines, 2015. Collection method: clinical testing. Allele origin: unknown.

Baylor Genetics
Classification: Uncertain significance for Niemann-Pick disease, type C1. Last evaluated: 2018-04-11. Review status: criteria provided, single submitter. Criteria: ACMG Guidelines, 2015. Collection method: clinical testing. Allele origin: paternal. Affected: yes.
Comment: This variant was determined to be of uncertain significance according to ACMG Guidelines, 2015 [PMID:25741868].

Eurofins Ntd Llc (ga)
Classification: Uncertain significance. Last evaluated: 2018-03-29. Review status: criteria provided, single submitter. Criteria: EGL ClinVar v180209 classification definitions. Collection method: clinical testing. Allele origin: germline. Observed: 9 variant alleles, 9 heterozygotes.

Illumina Laboratory Services, Illumina
Classification: Uncertain significance for Niemann-Pick disease type C1. Last evaluated: 2017-04-27. Review status: criteria provided, single submitter. Criteria: ICSL Variant Classification Criteria 13 December 2019. Collection method: clinical testing. Allele origin: germline.
Comment: This variant was observed as part of a predisposition screen in an ostensibly healthy population. A literature search was performed for the gene, cDNA change, and amino acid change (where applicable). Publications were found based on this search. However, the evidence from the literature, in combination with allele frequency data from public databases where available, was not sufficient to rule this variant in or out of causing disease. Therefore, this variant is classified as a variant of unknown significance.

PreventionGenetics, part of Exact Sciences
Classification: Likely benign for NPC1-related condition. Last evaluated: 2022-02-10. Review status: no assertion criteria provided. Collection method: clinical testing. Allele origin: germline. Not counted in ClinVar's aggregate classification.
Comment: This variant is classified as likely benign based on ACMG/AMP sequence variant interpretation guidelines (Richards et al. 2015 PMID: 25741868, with internal and published modifications).

Natera, Inc.
Classification: Likely benign for Niemann-Pick disease type C1. Last evaluated: 2020-09-16. Review status: no assertion criteria provided. Collection method: clinical testing. Allele origin: germline. Not counted in ClinVar's aggregate classification.

Literature cited by the submitters: PubMed 24386122 (cited by Illumina Laboratory Services, Illumina).

NM_000271.5(NPC1):c.2428G>T (p.Val810Phe)

Gene: NPC1 (NPC intracellular cholesterol transporter 1; minus strand). Cytogenetic location: 18q11.2.
Variant type: single nucleotide variant.
Coding change: c.2428G>T on transcript NM_000271.5 (MANE Select); coding-DNA position 2428, G replaced by T.
Protein change: p.Val810Phe; replaces valine 810 with phenylalanine.
Molecular consequence: missense variant.
Genome position (GRCh38, 1-based): chr18:23,541,154, C>A on the plus strand (G>T on the coding strand, the complement: NPC1 is on the minus strand). VCF-style: chr18-23541154-C-A. GRCh37 (hg19) VCF-style: chr18-21121118-C-A.
Other names: short protein forms V810F.
Identifiers: ClinVar variation 499327 (VCV000499327.64), dbSNP rs145362908, ClinGen allele CA8913105.
Genomic context (GRCh38, chr18:23,541,154, plus strand): 5'-GCAGAAGTGGAGAATAGGAGTTTTTGAAGAAGCGAAACAAACAGCTCTCTGAGGCCTGGA[C>A]GCTTGTTCCATCTTCAGCACCTCTGACACAGCAAAAGATGTCTAGCCGATTTTTCTGAGG-3'
Protein context (NP_000262.2, residues 800-820): CVRGAEDGTS[Val810Phe]QASESCLFRF